The following is an entry in ClinVar:

NM_001367949.2(FAT3):c.1067G>A (p.Cys356Tyr)

Gene: FAT3 (FAT atypical cadherin 3; plus strand). Cytogenetic location: 11q14.3.
Variant type: single nucleotide variant.
Coding change: c.1067G>A on transcript NM_001367949.2 (MANE Select); coding-DNA position 1067, G replaced by A.
Protein change: p.Cys356Tyr; replaces cysteine 356 with tyrosine.
Molecular consequence: missense variant.
Genome position (GRCh38, 1-based): chr11:92,353,179, G>A. VCF-style: chr11-92353179-G-A. GRCh37 (hg19) VCF-style: chr11-92086345-G-A.
Other names: c.1067G>A, p.Cys356Tyr (NM_001008781.3, NM_001378141.1); short protein forms C356Y.
Identifiers: ClinVar variation 3044491 (VCV003044491.2), dbSNP rs142950989, ClinGen allele CA6226224.

ClinVar aggregate classification (germline): Benign (0 of 4 stars; one submission).

Conditions:
FAT3-related disorder. Also called: FAT3-related condition.

Allele frequency attached by ClinVar (database versions not stated): gnomAD exomes 0.00050; gnomAD 0.00117; TOPMed 0.00125; ExAC 0.00226; 1000 Genomes Project 30x 0.00625; 1000 Genomes Project 0.00639.
gnomAD v4.1: 1,081 of 1,613,726 alleles (0.067%); highest among the groups gnomAD compares: East Asian, 1.8%; 16 homozygotes.

Submission:

PreventionGenetics, part of Exact Sciences
Classification: Benign for FAT3-related condition. Last evaluated: 2019-05-28. Review status: no assertion criteria provided. Collection method: clinical testing. Allele origin: germline.
Comment: This variant is classified as benign based on ACMG/AMP sequence variant interpretation guidelines (Richards et al. 2015 PMID: 25741868, with internal and published modifications).